The following is an entry in ClinVar:

NM_000059.4(BRCA2):c.9215T>A (p.Val3072Glu)

Gene: BRCA2 (BRCA2 DNA repair associated; plus strand). Cytogenetic location: 13q13.1.
Variant type: single nucleotide variant.
Coding change: c.9215T>A on transcript NM_000059.4 (MANE Select); coding-DNA position 9215, T replaced by A.
Protein change: p.Val3072Glu; replaces valine 3072 with glutamic acid.
Molecular consequence: missense variant.
Genome position (GRCh38, 1-based): chr13:32,380,104, T>A. VCF-style: chr13-32380104-T-A. GRCh37 (hg19) VCF-style: chr13-32954241-T-A.
Other names: short protein forms V3072E.
Identifiers: ClinVar variation 52778 (VCV000052778.11), dbSNP rs80359185, ClinGen allele CA026036.

ClinVar aggregate classification (germline): Conflicting classifications of pathogenicity. Review status: criteria provided, conflicting classifications (1 of 4 stars). 4 submissions from 4 submitters: Likely pathogenic (1); Uncertain significance (2). 1 of the submissions does not count toward it. Last evaluated 2025-03-27.

Conditions:
Hereditary cancer-predisposing syndrome. Also called: Neoplastic Syndromes, Hereditary; Tumor predisposition; Hereditary neoplastic syndrome; Hereditary Cancer Syndrome. Identifiers: Orphanet 140162, MedGen C0027672, MeSH D009386, MONDO:0015356.
Breast-ovarian cancer, familial, susceptibility to, 2 (BROVCA2). Also called: BRCA2 Hereditary Breast and Ovarian Cancer. Identifiers: Orphanet 145, MedGen C2675520, MONDO:0012933, OMIM 612555. Disease mechanism: loss of function.

Submissions (4):

Ambry Genetics
Classification: Likely pathogenic for Hereditary cancer-predisposing syndrome. Last evaluated: 2025-03-27. Review status: criteria provided, single submitter. Criteria: Ambry Variant Classification Scheme 2023. Collection method: clinical testing. Allele origin: germline.
Comment: The p.V3072E variant (also known as c.9215T>A), located in coding exon 23 of the BRCA2 gene, results from a T to A substitution at nucleotide position 9215. The valine at codon 3072 is replaced by glutamic acid, an amino acid with dissimilar properties. Using a computational method that produces a probabilistic likelihood ratio predictive of whether a missense variant impairs protein function, this alteration is predicted to be likely deleterious (Karchin R et al. Cancer Inform. 2008;6:203-16). This alteration was non-functional in a homology directed DNA repair assay and deleterious in a drug sensitivity assay (Ambry internal data; Ikegami M et al. Nat Commun 2020 05;11(1):2573). Two saturation genome editing-based studies, including a haploid cell-survival assay and a humanized mouse embryonic stem cell line assay of drug response and survival, demonstrate that this nucleotide substitution is non-functional (Huang H et al. Nature. 2025 Feb;638(8050):528-537; Sahu S et al. Nature. 2025 Feb;638(8050):538-545). This amino acid position is highly conserved in available vertebrate species. In addition, this alteration is predicted to be deleterious by in silico analysis. Based on the majority of available evidence to date, this variant is likely to be pathogenic.

GeneDx
Classification: Uncertain significance. Last evaluated: 2018-06-18. Review status: criteria provided, single submitter. Criteria: GeneDx Variant Classification (06012015). Collection method: clinical testing. Allele origin: germline. Affected: yes.
Comment: This variant is denoted BRCA2 c.9215T>A at the cDNA level, p.Val3072Glu (V3072E) at the protein level, and results in the change of a Valine to a Glutamic Acid (GTG>GAG). Using alternate nomenclature, this variant would be defined as BRCA2 9443T>A. This variant has not, to our knowledge, been published in the literature as a pathogenic or benign germline variant. BRCA2 Val3072Glu was not observed in large population cohorts (Lek 2016). This variant is located in the DNA Binding Domain (Yang 2002). In silico analysis, which includes protein predictors and evolutionary conservation, supports that this variant does not alter protein structure/function. Based on currently available evidence, it is unclear whether BRCA2 Val3072Glu is a pathogenic or benign variant. We consider it to be a variant of uncertain significance.

Women's Health and Genetics/Laboratory Corporation of America, LabCorp
Classification: Uncertain significance. Last evaluated: 2018-01-15. Review status: criteria provided, single submitter. Criteria: LabCorp Variant Classification Summary - May 2015. Collection method: clinical testing. Allele origin: germline.
Comment: Variant summary: The BRCA2 c.9215T>A (p.Val3072Glu) variant involves the alteration of a conserved nucleotide located in the BRCA2, OB3 domain of the protein (InterPro). 5/5 in silico tools predict a damaging outcome for this variant. This variant is absent in 246070 control chromosomes. In addition, multiple clinical diagnostic laboratories/reputable databases classified this variant as uncertain significance. The variant of interest has not, to our knowledge, been reported in affected individuals via publications; nor evaluated for functional impact by in vivo/vitro studies. Because of the absence of clinical information and the lack of functional studies, the variant is classified as a variant of uncertain significance (VUS) until additional information becomes available.

Breast Cancer Information Core (BIC) (BRCA2)
Classification: Uncertain significance for Breast-ovarian cancer, familial 2. Last evaluated: 2001-02-16. Review status: no assertion criteria provided. Collection method: clinical testing. Allele origin: germline. Affected: yes. Observed: 1 variant allele. Not counted in ClinVar's aggregate classification.

Literature cited by the submitters: PubMed 17899372 (cited by Ambry Genetics and Women's Health and Genetics/Laboratory Corporation of America, LabCorp); PubMed 19043619 (cited by Ambry Genetics and Women's Health and Genetics/Laboratory Corporation of America, LabCorp); PubMed 32444794 (cited by Ambry Genetics); PubMed 38417439 (cited by Ambry Genetics); PubMed 39779848 (cited by Ambry Genetics); PubMed 39779857 (cited by Ambry Genetics).